The following is an entry in ClinVar:

ClinVar aggregate classification (germline): Benign. Review status: criteria provided, multiple submitters, no conflicts (2 of 4 stars). 13 submissions from 13 submitters: Benign (10). 3 of the submissions do not count toward it. Last evaluated 2026-02-04.

Conditions:
Autosomal recessive nonsyndromic hearing loss 3. Also called: NEUROSENSORY NONSYNDROMIC RECESSIVE DEAFNESS 3. Identifiers: Orphanet 90636, MedGen C1838263, MONDO:0010860, OMIM 600316.

Allele frequency attached by ClinVar (database versions not stated): ESP Exome Variant Server 0.30364; gnomAD exomes 0.35660 and 0.45865; gnomAD 0.41355 and 0.42505; TOPMed 0.42722; ExAC 0.52583; 1000 Genomes Project 30x 0.56293; 1000 Genomes Project 0.56589.
gnomAD v4.1: 563,046 of 1,543,570 alleles (36%); highest among the groups gnomAD compares: South Asian, 70%; 113,193 homozygotes.

Submissions (13):

Labcorp Genetics (formerly Invitae), Labcorp
Classification: Benign. Last evaluated: 2026-02-04. Review status: criteria provided, single submitter. Criteria: Invitae Variant Classification Sherloc (09022015). Collection method: clinical testing. Allele origin: germline.

Women's Health and Genetics/Laboratory Corporation of America, LabCorp
Classification: Benign. Last evaluated: 2026-01-08. Review status: criteria provided, single submitter. Criteria: LabCorp Variant Classification Summary - May 2015. Collection method: clinical testing. Allele origin: germline.

Genome-Nilou Lab
Classification: Benign for Autosomal recessive nonsyndromic hearing loss 3. Last evaluated: 2021-09-05. Review status: criteria provided, single submitter. Criteria: ACMG Guidelines, 2015. Collection method: clinical testing. Allele origin: germline. Affected: no.

Mayo Clinic Laboratories, Mayo Clinic
Classification: Benign. Last evaluated: 2020-08-26. Review status: criteria provided, single submitter. Criteria: ACMG Guidelines, 2015. Collection method: clinical testing. Allele origin: germline. Observed: 104 variant alleles.

Illumina Laboratory Services, Illumina
Classification: Benign for Autosomal recessive nonsyndromic hearing loss 3. Last evaluated: 2018-01-13. Review status: criteria provided, single submitter. Criteria: ICSL Variant Classification Criteria 13 December 2019. Collection method: clinical testing. Allele origin: germline.
Comment: This variant was observed in the ICSL laboratory as part of a predisposition screen in an ostensibly healthy population. It had not been previously curated by ICSL or reported in the Human Gene Mutation Database (HGMD: prior to June 1st, 2018), and was therefore a candidate for classification through an automated scoring system. Utilizing variant allele frequency, disease prevalence and penetrance estimates, and inheritance mode, an automated score was calculated to assess if this variant is too frequent to cause the disease. Based on the score and internal cut-off values, a variant classified as benign is not then subjected to further curation. The score for this variant resulted in a classification of benign for this disease.

GeneDx
Classification: Benign. Last evaluated: 2017-05-09. Review status: criteria provided, single submitter. Criteria: GeneDx Variant Classification (06012015). Collection method: clinical testing. Allele origin: germline. Affected: yes.
Comment: This variant is considered likely benign or benign based on one or more of the following criteria: it is a conservative change, it occurs at a poorly conserved position in the protein, it is predicted to be benign by multiple in silico algorithms, and/or has population frequency not consistent with disease.

Eurofins Ntd Llc (ga)
Classification: Benign. Last evaluated: 2016-01-20. Review status: criteria provided, single submitter. Criteria: EGL Classification Definitions 2015. Collection method: clinical testing. Allele origin: germline. Observed: 15 variant alleles, 8 heterozygotes, 7 homozygotes.

Laboratory for Molecular Medicine, Mass General Brigham Personalized Medicine
Classification: Benign. Last evaluated: 2012-05-07. Review status: criteria provided, single submitter. Criteria: LMM Criteria. Collection method: clinical testing. Allele origin: germline. Observed: 50 variant alleles.
Comment: "Pro633Pro in Exon 02 of MYO15A: This variant is not expected to have clinical s ignificance because it does not alter an amino acid residue, is not located with in the splice consensus sequence, and has been identified in 42.4% (1017/2398) o f African American chromosomes from a broad population by the NHLBI Exome Sequen cing Project (dbSNP rs2955366)."

Breakthrough Genomics
Classification: Benign. Review status: criteria provided, single submitter. Criteria: ACMG Guidelines, 2015. Collection method: not provided. Allele origin: germline. Inheritance: Autosomal recessive inheritance. Affected: yes.

PreventionGenetics, part of Exact Sciences
Classification: Benign. Review status: criteria provided, single submitter. Criteria: ACMG Guidelines, 2015. Collection method: clinical testing. Allele origin: germline.

Clinical Genetics DNA and cytogenetics Diagnostics Lab, Erasmus MC, Erasmus Medical Center
Classification: Benign. Review status: no assertion criteria provided. Collection method: clinical testing. Allele origin: germline. Affected: yes. Study: VKGL Data-share Consensus. Not counted in ClinVar's aggregate classification.

Diagnostic Laboratory, Department of Genetics, University Medical Center Groningen
Classification: Benign for Autosomal recessive nonsyndromic hearing loss 3. Review status: no assertion criteria provided. Collection method: clinical testing. Allele origin: germline. Affected: yes. Study: VKGL Data-share Consensus. Not counted in ClinVar's aggregate classification.

Joint Genome Diagnostic Labs from Nijmegen and Maastricht, Radboudumc and MUMC+
Classification: Benign. Review status: no assertion criteria provided. Collection method: clinical testing. Allele origin: germline. Affected: yes. Study: VKGL Data-share Consensus. Not counted in ClinVar's aggregate classification.

NM_016239.4(MYO15A):c.1899A>G (p.Pro633=)

Gene: MYO15A (myosin XVA; plus strand). Cytogenetic location: 17p11.2.
Variant type: single nucleotide variant.
Coding change: c.1899A>G on transcript NM_016239.4 (MANE Select); coding-DNA position 1899, A replaced by G.
Protein change: p.Pro633=; no amino-acid change (proline 633 retained).
Molecular consequence: synonymous variant.
Genome position (GRCh38, 1-based): chr17:18,120,699, A>G. VCF-style: chr17-18120699-A-G. GRCh37 (hg19) VCF-style: chr17-18024013-A-G.
Other names: p.Pro633=.
Identifiers: ClinVar variation 226778 (VCV000226778.28), dbSNP rs2955366, ClinGen allele CA8423208.